The following is an entry in ClinVar:

ClinVar aggregate classification (germline): Uncertain significance (1 of 4 stars; one submission).

Allele frequency attached by ClinVar (database versions not stated): gnomAD 0.00002; gnomAD exomes 0.00003 and 0.00014; TOPMed 0.00006; ExAC 0.00015.
gnomAD v4.1: 43 of 1,614,108 alleles (0.0027%); highest among the groups gnomAD compares: East Asian, 0.08%; no homozygotes.

Submission:

Labcorp Genetics (formerly Invitae), Labcorp
Classification: Uncertain significance. Last evaluated: 2022-07-26. Review status: criteria provided, single submitter. Criteria: Invitae Variant Classification Sherloc (09022015). Collection method: clinical testing. Allele origin: germline.
Comment: This sequence change replaces leucine, which is neutral and non-polar, with proline, which is neutral and non-polar, at codon 8 of the RDH11 protein (p.Leu8Pro). This variant is present in population databases (rs753387923, gnomAD 0.2%). This variant has not been reported in the literature in individuals affected with RDH11-related conditions. ClinVar contains an entry for this variant (Variation ID: 1361102). Algorithms developed to predict the effect of missense changes on protein structure and function are either unavailable or do not agree on the potential impact of this missense change (SIFT: "Deleterious"; PolyPhen-2: "Possibly Damaging"; Align-GVGD: "Class C0"). In summary, the available evidence is currently insufficient to determine the role of this variant in disease. Therefore, it has been classified as a Variant of Uncertain Significance.

NM_016026.4(RDH11):c.23T>C (p.Leu8Pro)

Genes: GPHN (gephyrin; plus strand), RDH11 (retinol dehydrogenase 11; minus strand). Cytogenetic location: 14q24.1.
Variant type: single nucleotide variant.
Coding change: c.23T>C on transcript NM_016026.4 (MANE Select); coding-DNA position 23, T replaced by C.
Protein change: p.Leu8Pro; replaces leucine 8 with proline.
Molecular consequence: missense variant.
Genome position (GRCh38, 1-based): chr14:67,695,681, A>G on the plus strand (T>C on the coding strand, the complement: RDH11 is on the minus strand). VCF-style: chr14-67695681-A-G. GRCh37 (hg19) VCF-style: chr14-68162398-A-G.
Other names: c.23T>C, p.Leu8Pro (NM_001252650.2); short protein forms L8P.
Identifiers: ClinVar variation 1361102 (VCV001361102.3), dbSNP rs753387923, ClinGen allele CA7238530.